The following is an entry in ClinVar:

NM_001276270.2(MBD4):c.679A>G (p.Lys227Glu)

Gene: MBD4 (methyl-CpG binding domain 4, DNA glycosylase; minus strand). Cytogenetic location: 3q21.3.
Variant type: single nucleotide variant.
Coding change: c.679A>G on transcript NM_001276270.2 (MANE Select); coding-DNA position 679, A replaced by G.
Protein change: p.Lys227Glu; replaces lysine 227 with glutamic acid.
Molecular consequence: missense variant. On other transcripts: intron variant (1).
Genome position (GRCh38, 1-based): chr3:129,436,965, T>C on the plus strand (A>G on the coding strand, the complement: MBD4 is on the minus strand). VCF-style: chr3-129436965-T-C. GRCh37 (hg19) VCF-style: chr3-129155808-T-C.
Other names: c.679A>G, p.Lys227Glu (NM_001276271.2, NM_001276272.2, NM_003925.3); c.247+843A>G (NM_001276273.2); short protein forms K227E.
Identifiers: ClinVar variation 4052226 (VCV004052226.1).

ClinVar aggregate classification (germline): Uncertain significance (1 of 4 stars; one submission).

Conditions:
Inborn genetic diseases. Identifiers: MedGen C0950123, MeSH D030342.

Submission:

Ambry Genetics
Classification: Uncertain significance for Inborn genetic diseases. Last evaluated: 2025-05-05. Review status: criteria provided, single submitter. Criteria: Ambry Variant Classification Scheme 2023. Collection method: clinical testing. Allele origin: germline.
Comment: The p.K227E variant (also known as c.679A>G), located in coding exon 3 of the MBD4 gene, results from an A to G substitution at nucleotide position 679. The lysine at codon 227 is replaced by glutamic acid, an amino acid with similar properties. This amino acid position is conserved. In addition, the in silico prediction for this alteration is inconclusive. Based on the available evidence, the clinical significance of this variant remains unclear.